The following is an entry in ClinVar:

ClinVar aggregate classification (germline): Likely benign (1 of 4 stars; one submission).

gnomAD v4.1: 9 of 1,613,480 alleles (0.00056%); highest among the groups gnomAD compares: Non-Finnish European, 0.00076%; no homozygotes.

Submission:

CeGaT Center for Human Genetics Tuebingen
Classification: Likely benign. Last evaluated: 2022-07-01. Review status: criteria provided, single submitter. Criteria: CeGaT Center For Human Genetics Tuebingen Variant Classification Criteria Version 2. Collection method: clinical testing. Allele origin: germline. Affected: yes. Observed: 1 variant allele.
Comment: MAG: BP4, BP7

NM_002361.4(MAG):c.1665C>G (p.Pro555=)

Gene: MAG (myelin associated glycoprotein; plus strand). Cytogenetic location: 19q13.12.
Variant type: single nucleotide variant.
Coding change: c.1665C>G on transcript NM_002361.4 (MANE Select); coding-DNA position 1665, C replaced by G.
Protein change: p.Pro555=; no amino-acid change (proline 555 retained).
Molecular consequence: synonymous variant.
Genome position (GRCh38, 1-based): chr19:35,311,966, C>G. VCF-style: chr19-35311966-C-G. GRCh37 (hg19) VCF-style: chr19-35802869-C-G.
Other names: c.1590C>G, p.Pro530= (NM_001199216.2); c.1665C>G, p.Pro555= (NM_080600.3).
Identifiers: ClinVar variation 1701364 (VCV001701364.31), dbSNP rs150375492, ClinGen allele CA9376355.